The following is an entry in ClinVar:

NM_012330.4(KAT6B):c.4768G>T (p.Asp1590Tyr)

Gene: KAT6B (lysine acetyltransferase 6B; plus strand). Cytogenetic location: 10q22.2.
Variant type: single nucleotide variant.
Coding change: c.4768G>T on transcript NM_012330.4 (MANE Select); coding-DNA position 4768, G replaced by T.
Protein change: p.Asp1590Tyr; replaces aspartic acid 1590 with tyrosine.
Molecular consequence: missense variant.
Genome position (GRCh38, 1-based): chr10:75,029,592, G>T. VCF-style: chr10-75029592-G-T. GRCh37 (hg19) VCF-style: chr10-76789350-G-T.
Other names: c.4219G>T, p.Asp1407Tyr (NM_001370138.1, NM_001256468.2); c.3892G>T, p.Asp1298Tyr (NM_001370139.1, NM_001370140.1, NM_001370141.1 and 2 more transcripts); c.3703G>T, p.Asp1235Tyr (NM_001370143.1, NM_001370144.1); c.3730G>T, p.Asp1244Tyr (NM_001370132.1); c.3079G>T, p.Asp1027Tyr (NM_001370133.1); c.2683G>T, p.Asp895Tyr (NM_001370134.1); c.2425G>T, p.Asp809Tyr (NM_001370135.1); c.4768G>T, p.Asp1590Tyr (NM_001370136.1, NM_001370137.1); short protein forms D1027Y, D1235Y, D1244Y, D1298Y, D1407Y, D1590Y, D809Y, D895Y.
Identifiers: ClinVar variation 1695661 (VCV001695661.2), dbSNP rs1366114304, ClinGen allele CA377298602.

ClinVar aggregate classification (germline): Uncertain significance (1 of 4 stars; one submission).

gnomAD v4.1: 1 of 1,614,086 alleles (0.000062%); highest among the groups gnomAD compares: Non-Finnish European, 0.000085%; no homozygotes.

Submission:

GeneDx
Classification: Uncertain significance. Last evaluated: 2022-01-07. Review status: criteria provided, single submitter. Criteria: GeneDx Variant Classification Process June 2021. Collection method: clinical testing. Allele origin: germline. Affected: yes.
Comment: Not observed at significant frequency in large population cohorts (gnomAD); In silico analysis supports that this missense variant has a deleterious effect on protein structure/function; Has not been previously published as pathogenic or benign to our knowledge